The following is an entry in ClinVar:

NM_194325.3(ZNF30):c.35G>A (p.Gly12Glu)

Gene: ZNF30 (zinc finger protein 30; plus strand). Cytogenetic location: 19q13.11.
Variant type: single nucleotide variant.
Coding change: c.35G>A on transcript NM_194325.3 (MANE Select); coding-DNA position 35, G replaced by A.
Protein change: p.Gly12Glu; replaces glycine 12 with glutamic acid.
Molecular consequence: missense variant. On other transcripts: non-coding transcript variant (1).
Genome position (GRCh38, 1-based): chr19:34,931,868, G>A. VCF-style: chr19-34931868-G-A. GRCh37 (hg19) VCF-style: chr19-35422772-G-A.
Other names: c.35G>A, p.Gly12Glu (NM_001099437.2, NM_001099438.2); short protein forms G12E.
Identifiers: ClinVar variation 2649709 (VCV002649709.24), dbSNP rs146842588, ClinGen allele CA9370140.

ClinVar aggregate classification (germline): Likely benign (1 of 4 stars; one submission).

Allele frequency attached by ClinVar (database versions not stated): 1000 Genomes Project 0.00240; 1000 Genomes Project 30x 0.00250; TOPMed 0.00430; gnomAD 0.00462; ExAC 0.00472; ESP Exome Variant Server 0.00548; gnomAD exomes 0.00637.
gnomAD v4.1: 9,952 of 1,612,202 alleles (0.62%); highest among the groups gnomAD compares: Non-Finnish European, 0.74%; 42 homozygotes.

Submission:

CeGaT Center for Human Genetics Tuebingen
Classification: Likely benign. Last evaluated: 2023-01-01. Review status: criteria provided, single submitter. Criteria: CeGaT Center For Human Genetics Tuebingen Variant Classification Criteria Version 2. Collection method: clinical testing. Allele origin: germline. Affected: yes. Observed: 1 variant allele.
Comment: ZNF30: BP4, BS2